The following is an entry in ClinVar:

ClinVar aggregate classification (germline): Pathogenic/Likely pathogenic. Review status: criteria provided, multiple submitters, no conflicts (2 of 4 stars). 2 submissions from 2 submitters: Pathogenic (1); Likely pathogenic (1). Last evaluated 2022-10-19.

Conditions:
DOCK8-related disorders.

Allele frequency attached by ClinVar (database versions not stated): TOPMed 0.00001.

Submissions (2):

Labcorp Genetics (formerly Invitae), Labcorp
Classification: Pathogenic for Combined immunodeficiency due to DOCK8 deficiency. Last evaluated: 2022-10-19. Review status: criteria provided, single submitter. Criteria: Invitae Variant Classification Sherloc (09022015). Collection method: clinical testing. Allele origin: germline.
Comment: For these reasons, this variant has been classified as Pathogenic. ClinVar contains an entry for this variant (Variation ID: 1457132). This variant has not been reported in the literature in individuals affected with DOCK8-related conditions. This variant is not present in population databases (gnomAD no frequency). This sequence change creates a premature translational stop signal (p.Ala11Valfs*46) in the DOCK8 gene. It is expected to result in an absent or disrupted protein product. Loss-of-function variants in DOCK8 are known to be pathogenic (PMID: 14722525, 19776401).

Blueprint Genetics
Classification: Likely pathogenic for DOCK8-related disorders. Last evaluated: 2022-08-11. Review status: criteria provided, single submitter. Criteria: ACMG Guidelines, 2015. Collection method: clinical testing. Allele origin: germline. Affected: yes. Observed: 1 variant allele.

Literature cited by the submitters: PubMed 14722525 (cited by Labcorp Genetics (formerly Invitae), Labcorp); PubMed 19776401 (cited by Labcorp Genetics (formerly Invitae), Labcorp).

NM_203447.4(DOCK8):c.27_28del (p.Ala11fs)

Genes: DOCK8 (dedicator of cytokinesis 8; plus strand), DOCK8-AS1 (DOCK8 antisense RNA 1; minus strand), LOC130001437 (ATAC-STARR-seq lymphoblastoid silent region 19722; plus strand). Cytogenetic location: 9p24.3.
Variant type: Deletion.
Coding change: c.27_28del on transcript NM_203447.4 (MANE Select); coding-DNA positions 27 to 28, 2 bases deleted (CC; older notation c.27_28delCC).
Protein change: p.Ala11fs; shifts the reading frame from alanine 11.
Molecular consequence: frameshift variant. On other transcripts: non-coding transcript variant (1).
Genome position (GRCh38, 1-based): chr9:215,003-215,004, CC deleted. VCF-style (leftmost placement, unchanged base first): chr9-215002-GCC-G. GRCh37 (hg19) VCF-style: chr9-215002-GCC-G.
Other names: short protein forms A11fs.
Identifiers: ClinVar variation 1457132 (VCV001457132.11), dbSNP rs1312725371, ClinGen allele CA862080740.
Genomic context (GRCh38, chr9:215,002, plus strand): 5'-CGCGACCCTAGAAGCCACCGAACCGCCGGCGGGCCATGGCCACTCTGCCGAGCGCAGAGC[GCC>G]GCGCGTTCGCGCTCAAGATCAACAGGTAAGACGCCCCCCGCGGCGCGCAGGTTGCGGCCG-3'